The following is an entry in ClinVar:

NM_004006.3(DMD):c.8284dup (p.Ile2762fs)

Gene: DMD (dystrophin; minus strand). Cytogenetic location: Xp21.1.
Variant type: Duplication.
Coding change: c.8284dup on transcript NM_004006.3 (MANE Select); coding-DNA position 8284, one base duplicated (A; older notation c.8284dupA).
Protein change: p.Ile2762fs; shifts the reading frame from isoleucine 2762.
Molecular consequence: frameshift variant.
Genome position (GRCh38, 1-based): chrX:31,507,387, T duplicated on the plus strand (A on the coding strand, the reverse complement: DMD is on the minus strand); the first of 6 consecutive T bases (chrX:31,507,387-31,507,392); duplicating any one gives the same sequence. VCF-style (leftmost placement, unchanged base first): chrX-31507386-A-AT. GRCh37 (hg19) VCF-style: chrX-31525503-A-AT.
Other names: c.8260dup, p.Ile2754fs (NM_000109.4); c.8272dup, p.Ile2758fs (NM_004009.3); c.7915dup, p.Ile2639fs (NM_004010.3); c.4261dup, p.Ile1421fs (NM_004011.4); c.4252dup, p.Ile1418fs (NM_004012.4); c.904dup, p.Ile302fs (NM_004013.3, NM_004020.4, NM_004021.3 and 2 more transcripts); c.97dup, p.Ile33fs (NM_004014.3); c.8284dup (NM_004006.2); short protein forms I2639fs, I2758fs, I1418fs, I1421fs, I2754fs, I2762fs, I302fs, I33fs.
Identifiers: ClinVar variation 1409391 (VCV001409391.7), dbSNP rs2071057426, ClinGen allele CA2573158628.
Genomic context (GRCh38, chrX:31,507,386, plus strand): 5'-ATGTTATCCAAACGTCTTTGTAACAGGACTGCATCATCGGAACCTTCCAGGGATCTCAGG[A>AT]TTTTTTGGCTGTTTTCATCCAGGTTGTGATAAACATCTGTGTGAGCTTCAATTTCACCTT-3'

ClinVar aggregate classification (germline): Pathogenic. Review status: criteria provided, multiple submitters, no conflicts (2 of 4 stars). 2 submissions from 2 submitters: Pathogenic (2). Last evaluated 2024-07-16.

Conditions:
Duchenne muscular dystrophy (DMD). Also called: MUSCULAR DYSTROPHY, PSEUDOHYPERTROPHIC PROGRESSIVE, DUCHENNE TYPE; Duchenne Muscular Dystrophy (DMD). Identifiers: Orphanet 98896, MedGen C0013264, MONDO:0010679, OMIM 310200.
Becker muscular dystrophy, Cardiomyopathy, Duchenne muscular dystrophy, Dystrophin deficiency.

Submissions (2):

Natera, Inc.
Classification: Pathogenic for Becker muscular dystrophy, Cardiomyopathy, Duchenne muscular dystrophy, Dystrophin deficiency. Last evaluated: 2024-07-16. Review status: criteria provided, single submitter. Criteria: Natera Variant Classification Schema (03/2026). Collection method: clinical testing. Allele origin: germline.
Comment: The c.8284dup variant in DMD is a frameshift variant predicted to shift the reading frame beginning at codon 2762 and leads to a stop codon 10 codons downstream. This variant is expected to result in nonsense mediated decay, truncation, or a dysfunctional protein product. This variant is rare in the general population with a frequency below the threshold expected for the associated phenotype(s). This variant has been observed in affected individual(s) with monoallelic occurrence (heterozygous/hemizygous) (PMID: 24065205, 28318817, 19959795). Given the available evidence, this variant is classified as Pathogenic.

Labcorp Genetics (formerly Invitae), Labcorp
Classification: Pathogenic for Duchenne muscular dystrophy. Last evaluated: 2021-06-24. Review status: criteria provided, single submitter. Criteria: Invitae Variant Classification Sherloc (09022015). Collection method: clinical testing. Allele origin: germline.
Comment: For these reasons, this variant has been classified as Pathogenic. This premature translational stop signal has been observed in individual(s) with Duchenne muscular dystrophy (PMID: 19959795, 28318817; Invitae). In at least one individual the variant was observed to be de novo. This variant is not present in population databases (ExAC no frequency). This sequence change creates a premature translational stop signal (p.Ile2762Asnfs*10) in the DMD gene. It is expected to result in an absent or disrupted protein product. Loss-of-function variants in DMD are known to be pathogenic (PMID: 16770791, 25007885).

Literature cited by the submitters: PubMed 24065205 (cited by Natera, Inc.); PubMed 28318817 (cited by Natera, Inc. and Labcorp Genetics (formerly Invitae), Labcorp); PubMed 19959795 (cited by Natera, Inc. and Labcorp Genetics (formerly Invitae), Labcorp); PubMed 16770791 (cited by Labcorp Genetics (formerly Invitae), Labcorp); PubMed 25007885 (cited by Labcorp Genetics (formerly Invitae), Labcorp).